The following is an entry in ClinVar:

ClinVar aggregate classification (germline): Pathogenic (1 of 4 stars; one submission).

Conditions:
Hereditary breast ovarian cancer syndrome. Also called: Breast and ovarian cancer; BRCA1- and BRCA2-Associated Hereditary Breast and Ovarian Cancer; Hereditary breast and ovarian cancer; Hereditary breast and ovarian cancer syndrome (HBOC); Hereditary breast and/or ovarian cancer syndrome; Hereditary breast and ovarian cancer syndrome. Identifiers: Orphanet 145, MedGen C0677776, MeSH D061325, MONDO:0003582. Disease mechanism: loss of function.

Submission:

Labcorp Genetics (formerly Invitae), Labcorp
Classification: Pathogenic for Hereditary breast ovarian cancer syndrome. Last evaluated: 2018-08-15. Review status: criteria provided, single submitter. Criteria: Invitae Variant Classification Sherloc (09022015). Collection method: clinical testing. Allele origin: germline.
Comment: Loss-of-function variants in BRCA1 are known to be pathogenic (PMID: 20104584). For these reasons, this variant has been classified as Pathogenic. This variant has not been reported in the literature in individuals with BRCA1-related disease. This sequence change creates a premature translational stop signal (p.Ser956Leufs*44) in the BRCA1 gene. It is expected to result in an absent or disrupted protein product. This variant is not present in population databases (ExAC no frequency).

Literature cited by the submitters: PubMed 20104584.

NM_007294.4(BRCA1):c.2865del (p.Ser956fs)

Gene: BRCA1 (BRCA1 DNA repair associated; minus strand). Cytogenetic location: 17q21.31.
Variant type: Deletion.
Coding change: c.2865del on transcript NM_007294.4 (MANE Select); coding-DNA position 2865, one base deleted (A; older notation c.2865delA).
Protein change: p.Ser956fs; shifts the reading frame from serine 956.
Molecular consequence: frameshift variant. On other transcripts: intron variant (137).
Genome position (GRCh38, 1-based): chr17:43,092,666, T deleted on the plus strand (A on the coding strand, the reverse complement: BRCA1 is on the minus strand). VCF-style (leftmost placement, unchanged base first): chr17-43092665-AT-A. GRCh37 (hg19) VCF-style: chr17-41244682-AT-A.
Other names: c.587-1634del (NM_001408476.1, NM_001408474.1); c.710-1634del (NM_001408409.1, NM_001408414.1, NM_001408411.1 and 2 more transcripts); c.575-1634del (NM_001408493.1, NM_001408490.1, NM_001408491.1); c.455-1634del (NM_001408502.1); c.578-1634del (NM_001408489.1, NM_001408479.1, NM_001408482.1 and 9 more transcripts); c.662-1634del (NM_001408445.1, NM_001408432.1, NM_001408450.1 and 6 more transcripts); c.668-1634del (NM_001408431.1, NM_001408424.1, NM_001408421.1); c.785-1634del (NM_001408407.1, NM_001408402.1, NM_001408473.1 and 13 more transcripts); and 41 more; short protein forms S909fs, S956fs, S868fs, S955fs, S660fs, S829fs, S845fs, S886fs.
Identifiers: ClinVar variation 649129 (VCV000649129.8), dbSNP rs1597867163, ClinGen allele CA915950035.